The following is an entry in ClinVar:

ClinVar aggregate classification (germline): Uncertain significance (1 of 4 stars; one submission).

Conditions:
Cardiovascular phenotype. Identifiers: MedGen CN230736.

Allele frequency attached by ClinVar (database versions not stated): gnomAD exomes below 0.00001; gnomAD 0.00001.
gnomAD v4.1: 5 of 1,537,822 alleles (0.00033%); highest among the groups gnomAD compares: South Asian, 0.0036%; no homozygotes.

Submission:

Ambry Genetics
Classification: Uncertain significance for Cardiovascular phenotype. Last evaluated: 2025-05-08. Review status: criteria provided, single submitter. Criteria: Ambry Variant Classification Scheme 2023. Collection method: clinical testing. Allele origin: germline.
Comment: The p.R283P variant (also known as c.848G>C), located in coding exon 1 of the FKRP gene, results from a G to C substitution at nucleotide position 848. The arginine at codon 283 is replaced by proline, an amino acid with dissimilar properties. This amino acid position is well conserved in available vertebrate species. In addition, the in silico prediction for this alteration is inconclusive. Since supporting evidence is limited at this time, the clinical significance of this alteration remains unclear.

NM_024301.5(FKRP):c.848G>C (p.Arg283Pro)

Gene: FKRP (fukutin related protein; plus strand). Cytogenetic location: 19q13.32.
Variant type: single nucleotide variant.
Coding change: c.848G>C on transcript NM_024301.5 (MANE Select); coding-DNA position 848, G replaced by C.
Protein change: p.Arg283Pro; replaces arginine 283 with proline.
Molecular consequence: missense variant.
Genome position (GRCh38, 1-based): chr19:46,756,298, G>C. VCF-style: chr19-46756298-G-C. GRCh37 (hg19) VCF-style: chr19-47259555-G-C.
Other names: c.848G>C, p.Arg283Pro (NM_001039885.3); short protein forms R283P.
Identifiers: ClinVar variation 1763572 (VCV001763572.3), dbSNP rs747307601, ClinGen allele CA406496132.